The following is an entry in ClinVar:

ClinVar aggregate classification (germline): Conflicting classifications of pathogenicity. Review status: criteria provided, conflicting classifications (1 of 4 stars). 3 submissions from 3 submitters: Uncertain significance (2); Likely benign (1). Last evaluated 2025-02-03.

Conditions:
Marfan syndrome (MFS). Also called: Marfan syndrome, classic; Marfan syndrome type 1; Marfan's syndrome; FBN1-Related Marfan Syndrome; MARFAN SYNDROME, TYPE I. Identifiers: Orphanet 284963, Orphanet 558, MedGen C0024796, MONDO:0007947, OMIM 154700.
Familial thoracic aortic aneurysm and aortic dissection (TAAD). Also called: Thoracic aortic aneurysms and dissections. Identifiers: Orphanet 91387, MedGen C4707243, MONDO:0019625.

Allele frequency attached by ClinVar (database versions not stated): gnomAD exomes 0.00001; TOPMed below 0.00001; ExAC 0.00001.

Submissions (3):

Color Diagnostics, LLC DBA Color Health
Classification: Uncertain significance for Familial thoracic aortic aneurysm and aortic dissection. Last evaluated: 2025-02-03. Review status: criteria provided, single submitter. Criteria: ACMG Guidelines, 2015. Collection method: clinical testing. Allele origin: germline.
Comment: This missense variant replaces arginine with cysteine at codon 5 of the FBN1 protein. Computational prediction tool is inconclusive regarding the impact of this variant on protein structure and function. To our knowledge, functional studies have not been performed for this variant. This variant has been reported in an individual affected with Marfan syndrome who also carried a second pathogenic truncation variant in the same gene (PMID: 33200202). This variant has been identified in 3/245442 chromosomes in the general population by the Genome Aggregation Database (gnomAD). The available evidence is insufficient to determine the role of this variant in disease conclusively. Therefore, this variant is classified as a Variant of Uncertain Significance.

Labcorp Genetics (formerly Invitae), Labcorp
Classification: Likely benign for Marfan syndrome; Familial thoracic aortic aneurysm and aortic dissection. Last evaluated: 2024-02-06. Review status: criteria provided, single submitter. Criteria: Invitae Variant Classification Sherloc (09022015). Collection method: clinical testing. Allele origin: germline.

All of Us Research Program, National Institutes of Health
Classification: Uncertain significance for Marfan syndrome. Last evaluated: 2023-12-18. Review status: criteria provided, single submitter. Criteria: ACMG Guidelines, 2015. Collection method: clinical testing. Allele origin: germline. Inheritance: Autosomal dominant inheritance. Observed: 2 variant alleles, 2 heterozygotes.
Comment: This missense variant replaces arginine with cysteine at codon 5 of the FBN1 protein. Computational prediction tool indicates that this variant may have a neutral impact on protein structure and function. Splice site prediction tools suggest that this variant may not impact RNA splicing. To our knowledge, functional studies have not been performed for this variant. This variant has been reported in one individual affected with Marfan syndrome who also carried a second pathogenic FBN1 variant which could explain the phenotype (PMID: 33200202). This variant has been identified in 3/245442 chromosomes in the general population by the Genome Aggregation Database (gnomAD). The available evidence is insufficient to determine the role of this variant in disease conclusively. Therefore, this variant is classified as a Variant of Uncertain Significance.

This study involves interpretation of variants in research participants for the purpose of population health screening. Participant phenotype was not available at the time of variant classification. Additional details can be found in publication PMID: 35346344, PMCID: PMC8962531

Literature cited by the submitters: PubMed 33200202 (cited by Color Diagnostics, LLC DBA Color Health and All of Us Research Program, National Institutes of Health).

NM_000138.5(FBN1):c.13C>T (p.Arg5Cys)

Gene: FBN1 (fibrillin 1; minus strand). Cytogenetic location: 15q21.1.
Variant type: single nucleotide variant.
Coding change: c.13C>T on transcript NM_000138.5 (MANE Select); coding-DNA position 13, C replaced by T.
Protein change: p.Arg5Cys; replaces arginine 5 with cysteine.
Molecular consequence: missense variant.
Genome position (GRCh38, 1-based): chr15:48,644,757, G>A on the plus strand (C>T on the coding strand, the complement: FBN1 is on the minus strand). VCF-style: chr15-48644757-G-A. GRCh37 (hg19) VCF-style: chr15-48936954-G-A.
Other names: short protein forms R5C.
Identifiers: ClinVar variation 924062 (VCV000924062.8), dbSNP rs759323371, ClinGen allele CA044582.
Genomic context (GRCh38, chr15:48,644,757, plus strand): 5'-CCCCATGGCTCGTGTAGGACGCTAAAAGCACGGTAAATCCCAGGGCGATCTCCAGCAGAC[G>A]CCCTCGACGCATGATGCCGAGCCGCCACCGGCTCCCGCCGCCTCTTGCCGCGCCCGGGGC-3'
Protein context (NP_000129.3, residues 1-15): MRRG[Arg5Cys]LLEIALGFTV